The following is an entry in ClinVar:

ClinVar aggregate classification (germline): Pathogenic (1 of 4 stars; one submission).

Conditions:
Hereditary cancer-predisposing syndrome. Also called: Hereditary Cancer Syndrome; Tumor predisposition; Hereditary neoplastic syndrome; Neoplastic Syndromes, Hereditary. Identifiers: Orphanet 140162, MedGen C0027672, MeSH D009386, MONDO:0015356.

Submission:

Ambry Genetics
Classification: Pathogenic for Hereditary cancer-predisposing syndrome. Last evaluated: 2024-09-13. Review status: criteria provided, single submitter. Criteria: Ambry Variant Classification Scheme 2023. Collection method: clinical testing. Allele origin: germline.
Comment: The p.E403* pathogenic mutation (also known as c.1207G>T), located in coding exon 10 of the MRE11A gene, results from a G to T substitution at nucleotide position 1207. This changes the amino acid from a glutamic acid to a stop codon within coding exon 10. This variant is considered to be rare based on population cohorts in the Genome Aggregation Database (gnomAD). This alteration is expected to result in loss of function by premature protein truncation or nonsense-mediated mRNA decay. As such, this alteration is interpreted as a disease-causing mutation.

NM_005591.4(MRE11):c.1207G>T (p.Glu403Ter)

Gene: MRE11 (MRE11 double strand break repair nuclease; minus strand). Cytogenetic location: 11q21.
Variant type: single nucleotide variant.
Coding change: c.1207G>T on transcript NM_005591.4 (MANE Select); coding-DNA position 1207, G replaced by T.
Protein change: p.Glu403Ter; replaces glutamic acid 403 with a stop codon.
Molecular consequence: nonsense.
Genome position (GRCh38, 1-based): chr11:94,464,131, C>A on the plus strand (G>T on the coding strand, the complement: MRE11 is on the minus strand). VCF-style: chr11-94464131-C-A. GRCh37 (hg19) VCF-style: chr11-94197297-C-A.
Other names: c.1207G>T, p.Glu403Ter (NM_001330347.2, NM_005590.4); short protein forms E403*.
Identifiers: ClinVar variation 3397852 (VCV003397852.1).